The following is an entry in ClinVar:

ClinVar aggregate classification (germline): Conflicting classifications of pathogenicity. Review status: criteria provided, conflicting classifications (1 of 4 stars). 11 submissions from 11 submitters: Uncertain significance (6); Likely benign (4). 1 of the submissions does not count toward it. Last evaluated 2025-09-10.

Conditions:
Catecholaminergic polymorphic ventricular tachycardia (CVPT). Also called: Catecholamine-induced polymorphic ventricular tachycardia. Identifiers: Orphanet 3286, MedGen C5574922, MONDO:0017990.
Catecholaminergic polymorphic ventricular tachycardia 1. Also called: VENTRICULAR TACHYCARDIA, CATECHOLAMINERGIC POLYMORPHIC, 1, WITH OR WITHOUT ATRIAL DYSFUNCTION AND/OR DILATED CARDIOMYOPATHY; VENTRICULAR TACHYCARDIA, STRESS-INDUCED POLYMORPHIC 1; RYR2-Related Catecholaminergic Polymorphic Ventricular Tachycardia. Identifiers: Orphanet 3286, MedGen C1631597, MONDO:0011484, OMIM 604772.
Ventricular arrhythmias due to cardiac ryanodine receptor calcium release deficiency syndrome. Also called: Autosomal dominant cardiac arrhythmia (Kuhn). Identifiers: MedGen C5542154, MONDO:0020745, OMIM 115000.
Wolff-Parkinson-White pattern. Also called: Auriculoventricular accessory pathway syndrome; False bundle branch block syndrome; Anomalous ventricular excitation syndrome; WPW SYNDROME. Identifiers: MedGen C0043202, MONDO:0008685, OMIM 194200, HP:0001716.
Cardiovascular phenotype. Identifiers: MedGen CN230736.
Cardiomyopathy (CMYO). Also called: Cardiomyopathies. Identifiers: Orphanet 167848, MedGen C0878544, MONDO:0004994, HP:0001638. Inheritance: Various modes of inheritance.

Allele frequency attached by ClinVar (database versions not stated): gnomAD exomes 0.00010; gnomAD 0.00013 and 0.00014; ExAC 0.00014; TOPMed 0.00022.
gnomAD v4.1: 136 of 1,612,216 alleles (0.0084%); highest among the groups gnomAD compares: Middle Eastern, 0.068%; no homozygotes.

Submissions (11):

Genomic Medicine Center of Excellence, King Faisal Specialist Hospital and Research Centre
Classification: Uncertain significance for Ventricular arrhythmias due to cardiac ryanodine receptor calcium release deficiency syndrome. Last evaluated: 2025-09-10. Review status: criteria provided, single submitter. Criteria: ACMG Guidelines, 2015. Collection method: clinical testing. Allele origin: germline.

GeneDx
Classification: Uncertain significance. Last evaluated: 2025-08-04. Review status: criteria provided, single submitter. Criteria: GeneDx Variant Classification Process June 2021. Collection method: clinical testing. Allele origin: germline. Affected: yes.
Comment: Published in association with ARVC, sudden cardiac death, idiopathic ventricular fibrillation, Wolf-Parkinson-White syndrome (WPW), and in a stillborn infant (PMID: 25041964, 26383259, 30615648, 35819174, 31114860, 32233023); Not located in one of the three hot-spot regions of the RYR2 gene, where the majority of pathogenic missense variants occur (PMID: 19926015); In silico analysis supports that this missense variant has a deleterious effect on protein structure/function; This variant is associated with the following publications: (PMID: 28404607, 30615648, 32048431, 31402444, 26383259, 34426522, 35819174, 25041964, 19926015, 31114860, 32233023, 30020974)

Color Diagnostics, LLC DBA Color Health
Classification: Likely benign for Cardiomyopathy. Last evaluated: 2025-04-10. Review status: criteria provided, single submitter. Criteria: ACMG Guidelines, 2015. Collection method: clinical testing. Allele origin: germline.

Labcorp Genetics (formerly Invitae), Labcorp
Classification: Uncertain significance for Catecholaminergic polymorphic ventricular tachycardia 1. Last evaluated: 2025-01-23. Review status: criteria provided, single submitter. Criteria: Invitae Variant Classification Sherloc (09022015). Collection method: clinical testing. Allele origin: germline.
Comment: This sequence change replaces proline, which is neutral and non-polar, with serine, which is neutral and polar, at codon 1583 of the RYR2 protein (p.Pro1583Ser). This variant is present in population databases (rs200070226, gnomAD 0.04%). This missense change has been observed in individual(s) with RYR2-related conditions (PMID: 25041964, 26383259, 30615648, 31114860, 32233023). ClinVar contains an entry for this variant (Variation ID: 419965). Invitae Evidence Modeling of protein sequence and biophysical properties (such as structural, functional, and spatial information, amino acid conservation, physicochemical variation, residue mobility, and thermodynamic stability) indicates that this missense variant is expected to disrupt RYR2 protein function with a positive predictive value of 95%. In summary, the available evidence is currently insufficient to determine the role of this variant in disease. Therefore, it has been classified as a Variant of Uncertain Significance.

All of Us Research Program, National Institutes of Health
Classification: Uncertain significance for Catecholaminergic polymorphic ventricular tachycardia. Last evaluated: 2024-09-23. Review status: criteria provided, single submitter. Criteria: ACMG Guidelines, 2015. Collection method: clinical testing. Allele origin: germline. Inheritance: Autosomal dominant inheritance. Observed: 38 variant alleles, 38 heterozygotes.
Comment: This variant replaces proline with serine at codon 1583 in the RYR2 protein. Computational prediction suggests that this variant may have deleterious impact on protein structure and function (internally defined REVEL score threshold >= 0.7, PMID: 27666373). To our knowledge, functional studies have not been reported for this variant. This variant has been reported in individuals affected with arrhythmogenic right ventricular cardiomyopathy (PMID: 25041964), sudden cardiac death (PMID: 26383259), idiopathic ventricular fibrillation (PMID: 31114860), and Wolff-Parkinson-White syndrome and supraventricular tachycardia (PMID: 32233023). This variant occurs at an elevated frequency in the general population and has been identified in 27/277360 chromosomes by the Genome Aggregation Database (gnomAD). The available evidence is insufficient to determine the role of this variant in disease conclusively. Therefore, this variant is classified as a Variant of Uncertain Significance.

This study involves interpretation of variants in research participants for the purpose of population health screening. Participant phenotype was not available at the time of variant classification. Additional details can be found in publication PMID: 35346344, PMCID: PMC8962531

Blueprint Genetics
Classification: Likely benign. Last evaluated: 2024-08-12. Review status: criteria provided, single submitter. Criteria: ACMG Guidelines, 2015. Collection method: clinical testing. Allele origin: germline.

Women's Health and Genetics/Laboratory Corporation of America, LabCorp
Classification: Uncertain significance. Last evaluated: 2024-07-12. Review status: criteria provided, single submitter. Criteria: LabCorp Variant Classification Summary - May 2015. Collection method: clinical testing. Allele origin: germline.
Comment: Variant summary: RYR2 c.4747C>T (p.Pro1583Ser) results in a non-conservative amino acid change in the encoded protein sequence. Five of five in-silico tools predict a damaging effect of the variant on protein function. The variant allele was found at a frequency of 0.0001 in 245972 control chromosomes, predominantly at a frequency of 0.00038 within the Latino subpopulation in the gnomAD database. The observed variant frequency within Latino control individuals in the gnomAD database is approximately 11-fold of the estimated maximal expected allele frequency for a pathogenic variant in RYR2 causing Catecholaminergic Polymorphic Ventricular Tachycardia phenotype (3.4e-05). c.4747C>T has been reported in the literature in individuals from one family affected with Arrhythmogenic right Ventricular Cardiomyopathy (e.g. Roux-Buisson_2014), in individuals with Sudden Cardiac Death (e.g. Hertz_2016), Long QT syndrome (e.g. Coll_2018) and Arrhythmogenic cardiomyopathy (e.g. Goudal_2022). However, the current evidence at this time is not sufficient to determine the role of this variant in disease. To our knowledge, no experimental evidence demonstrating an impact on protein function has been reported. The following publications have been ascertained in the context of this evaluation (PMID: 30020974, 35819174, 26383259, 25041964, 30615648). ClinVar contains an entry for this variant (Variation ID: 419965). Based on the evidence outlined above, the variant was classified as uncertain significance.

Laboratory for Molecular Medicine, Mass General Brigham Personalized Medicine
Classification: Uncertain significance. Last evaluated: 2022-10-27. Review status: criteria provided, single submitter. Criteria: ACMG Guidelines, 2015. Collection method: clinical testing. Allele origin: germline.
Comment: The p.Pro1583Ser variant in RYR2 has been reported in the literature in 1 individual with SCD and 1 individual with ARVC. For the patient with ARVC, the variant segregated with disease in 1 affected relative and 1 relative with borderline clinical features (Roux-Buisson 2014, Hertz 2016). The variant has also been identified in 13/34114 Latino chromosomes and 11/125230 European chromosomes by the Genome Aggregation Database (gnomAD; dbSNP rs200070226). This variant has also been reported in ClinVar (Variation ID:419965). Computational prediction tools and conservation analysis suggest that the p.Pro1583Ser variant may impact the protein, though this information is not predictive enough to determine pathogenicity. In summary, the clinical significance of the p.Pro1583Ser variant is uncertain. The ACMG/AMP Criteria applied: PP3; PS4_Supporting.

Ambry Genetics
Classification: Likely benign for Cardiovascular phenotype. Last evaluated: 2022-02-22. Review status: criteria provided, single submitter. Criteria: Ambry Variant Classification Scheme 2023. Collection method: clinical testing. Allele origin: germline.

CHEO Genetics Diagnostic Laboratory, Children's Hospital of Eastern Ontario
Classification: Likely benign for Cardiomyopathy. Last evaluated: 2018-12-13. Review status: criteria provided, single submitter. Criteria: ACMG Guidelines, 2015. Collection method: clinical testing. Allele origin: germline.

Lupski Lab, Baylor-Hopkins CMG, Baylor College of Medicine
Classification: Uncertain significance for Wolff-Parkinson-White pattern. Last evaluated: 2017-07-14. Review status: no assertion criteria provided. Collection method: research. Allele origin: unknown. Affected: yes. Observed: 1 variant allele. Study: Candidate_variants_in_patients_with_ Wolff-Parkinson-White Syndrome. Not counted in ClinVar's aggregate classification.

Literature cited by the submitters: PubMed 25041964 (cited by 4 submitters); PubMed 26383259 (cited by 4 submitters); PubMed 30615648 (cited by Labcorp Genetics (formerly Invitae), Labcorp and Women's Health and Genetics/Laboratory Corporation of America, LabCorp); PubMed 31114860 (cited by Labcorp Genetics (formerly Invitae), Labcorp and All of Us Research Program, National Institutes of Health); PubMed 32233023 (cited by Labcorp Genetics (formerly Invitae), Labcorp and All of Us Research Program, National Institutes of Health); PubMed 30020974 (cited by Women's Health and Genetics/Laboratory Corporation of America, LabCorp); PubMed 35819174 (cited by Women's Health and Genetics/Laboratory Corporation of America, LabCorp); PubMed 28404607 (cited by Laboratory for Molecular Medicine, Mass General Brigham Personalized Medicine).

NM_001035.3(RYR2):c.4747C>T (p.Pro1583Ser)

Gene: RYR2 (ryanodine receptor 2; plus strand). Cytogenetic location: 1q43.
Variant type: single nucleotide variant.
Coding change: c.4747C>T on transcript NM_001035.3 (MANE Select); coding-DNA position 4747, C replaced by T.
Protein change: p.Pro1583Ser; replaces proline 1583 with serine.
Molecular consequence: missense variant.
Genome position (GRCh38, 1-based): chr1:237,610,825, C>T. VCF-style: chr1-237610825-C-T. GRCh37 (hg19) VCF-style: chr1-237774125-C-T.
Other names: short protein forms P1583S.
Identifiers: ClinVar variation 419965 (VCV000419965.39), dbSNP rs200070226, ClinGen allele CA086724.